The following is an entry in ClinVar:

ClinVar aggregate classification (germline): Conflicting classifications of pathogenicity. Review status: criteria provided, conflicting classifications (1 of 4 stars). 3 submissions from 3 submitters: Likely pathogenic (1); Uncertain significance (2). Last evaluated 2024-08-29.

Conditions:
Wilson disease (WND). Also called: Wilson's disease. Identifiers: Orphanet 905, MedGen C0019202, MONDO:0010200, OMIM 277900. Disease mechanism: loss of function.

Allele frequency attached by ClinVar (database versions not stated): gnomAD exomes below 0.00001; TOPMed below 0.00001; gnomAD 0.00001.
gnomAD v4.1: 2 of 1,613,872 alleles (0.00012%); highest among the groups gnomAD compares: Non-Finnish European, 0.00017%; no homozygotes.

Submissions (3):

Lildballe Lab, Aarhus University Hospital
Classification: Likely pathogenic for Wilson disease. Last evaluated: 2024-08-29. Review status: criteria provided, single submitter. Criteria: ACMG Guidelines, 2015. Collection method: clinical testing. Allele origin: germline. Affected: yes.
Comment: PM1, PM2, PM5,PP3

Labcorp Genetics (formerly Invitae), Labcorp
Classification: Uncertain significance for Wilson disease. Last evaluated: 2022-09-13. Review status: criteria provided, single submitter. Criteria: Invitae Variant Classification Sherloc (09022015). Collection method: clinical testing. Allele origin: germline.
Comment: This sequence change replaces aspartic acid, which is acidic and polar, with alanine, which is neutral and non-polar, at codon 918 of the ATP7B protein (p.Asp918Ala). This variant is present in population databases (no rsID available, gnomAD 0.0009%). This missense change has been observed in individual(s) with Wilson disease (PMID: 17317524). Advanced modeling of protein sequence and biophysical properties (such as structural, functional, and spatial information, amino acid conservation, physicochemical variation, residue mobility, and thermodynamic stability) performed at Invitae indicates that this missense variant is expected to disrupt ATP7B protein function. This variant disrupts the p.Asp918 amino acid residue in ATP7B. Other variant(s) that disrupt this residue have been determined to be pathogenic (PMID: 9671269, 15967699, 20958917, 24932333, 30230192). This suggests that this residue is clinically significant, and that variants that disrupt this residue are likely to be disease-causing. In summary, the available evidence is currently insufficient to determine the role of this variant in disease. Therefore, it has been classified as a Variant of Uncertain Significance.

Mayo Clinic Laboratories, Mayo Clinic
Classification: Uncertain significance. Last evaluated: 2022-06-29. Review status: criteria provided, single submitter. Criteria: ACMG Guidelines, 2015. Collection method: clinical testing. Allele origin: germline. Observed: 1 variant allele.
Comment: PP3, PM2

Literature cited by the submitters: PubMed 17317524 (cited by Labcorp Genetics (formerly Invitae), Labcorp and Mayo Clinic Laboratories, Mayo Clinic); PubMed 9671269 (cited by Labcorp Genetics (formerly Invitae), Labcorp); PubMed 15967699 (cited by Labcorp Genetics (formerly Invitae), Labcorp); PubMed 20958917 (cited by Labcorp Genetics (formerly Invitae), Labcorp); PubMed 24932333 (cited by Labcorp Genetics (formerly Invitae), Labcorp); PubMed 30230192 (cited by Labcorp Genetics (formerly Invitae), Labcorp); PubMed 22692182 (cited by Mayo Clinic Laboratories, Mayo Clinic).

NM_000053.4(ATP7B):c.2753A>C (p.Asp918Ala)

Gene: ATP7B (ATPase copper transporting beta; minus strand). Cytogenetic location: 13q14.3.
Variant type: single nucleotide variant.
Coding change: c.2753A>C on transcript NM_000053.4 (MANE Select); coding-DNA position 2753, A replaced by C.
Protein change: p.Asp918Ala; replaces aspartic acid 918 with alanine.
Molecular consequence: missense variant. On other transcripts: intron variant (1).
Genome position (GRCh38, 1-based): chr13:51,949,774, T>G on the plus strand (A>C on the coding strand, the complement: ATP7B is on the minus strand). VCF-style: chr13-51949774-T-G. GRCh37 (hg19) VCF-style: chr13-52523910-T-G.
Other names: p.Asp918Ala; c.2420A>C, p.Asp807Ala (NM_001243182.2); c.2519A>C, p.Asp840Ala (NM_001330578.2, NM_001406527.1, NM_001406528.1 and 2 more transcripts); c.2501A>C, p.Asp834Ala (NM_001330579.2, NM_001406531.1, NM_001406532.1 and 1 more transcripts); c.2753A>C, p.Asp918Ala (NM_001406511.1, NM_001406512.1, NM_001406513.1 and 5 more transcripts); c.2720A>C, p.Asp907Ala (NM_001406514.1); c.2513A>C, p.Asp838Ala (NM_001406530.1); c.2423A>C, p.Asp808Ala (NM_001406536.1); and 11 more; short protein forms D702A, D807A, D907A, D808A, D838A, D870A, D756A, D775A.
Identifiers: ClinVar variation 2137522 (VCV002137522.3), dbSNP rs1245497484, ClinGen allele CA388033861.